The following is an entry in ClinVar:

NM_000465.4(BARD1):c.39_40del (p.Arg13fs)

Gene: BARD1 (BRCA1 associated RING domain 1; minus strand). Cytogenetic location: 2q35.
Variant type: Deletion.
Coding change: c.39_40del on transcript NM_000465.4 (MANE Select); coding-DNA positions 39 to 40, 2 bases deleted (GA; older notation c.39_40delGA).
Protein change: p.Arg13fs; shifts the reading frame from arginine 13.
Molecular consequence: frameshift variant. On other transcripts: non-coding transcript variant (3).
Genome position (GRCh38, 1-based): chr2:214,809,530-214,809,531, TC deleted on the plus strand (GA on the coding strand, the reverse complement: BARD1 is on the minus strand). VCF-style (leftmost placement, unchanged base first): chr2-214809529-ATC-A. GRCh37 (hg19) VCF-style: chr2-215674253-ATC-A.
Other names: c.39_40del, p.Arg13fs (NM_001282543.2, NM_001282545.2, NM_001282548.2 and 1 more transcripts); short protein forms R13fs.
Identifiers: ClinVar variation 2583775 (VCV002583775.2), dbSNP rs2469639836, ClinGen allele CA2582342128.
Genomic context (GRCh38, chr2:214,809,529, plus strand): 5'-CAGGCACCGCGACCATCCGGTTCCATGGCGGGCGCGGAACGAGGCTCGTTCCCGGAGCGG[ATC>A]CTCGGCTGCCGGTTCCTCGGCTGCCGATTATCCGGCATCGTCCCGCCTTCGGATGAAAGG-3'

ClinVar aggregate classification (germline): Pathogenic (1 of 4 stars; one submission).

Conditions:
Familial cancer of breast. Also called: BREAST CANCER, FAMILIAL; hereditary breast carcinoma; Hereditary breast cancer. Identifiers: Orphanet 227535, MedGen C0346153, MONDO:0016419, OMIM 114480. Disease mechanism: loss of function.

Submission:

Myriad Genetics, Inc.
Classification: Pathogenic for Familial cancer of breast. Last evaluated: 2023-05-17. Review status: criteria provided, single submitter. Criteria: Myriad Autosomal Dominant, Autosomal Recessive and X-Linked Classification Criteria (2023). Collection method: clinical testing. Allele origin: unknown.
Comment: This variant is considered pathogenic. This variant creates a frameshift predicted to result in premature protein truncation.